The following is an entry in ClinVar:

NM_014324.6(AMACR):c.235C>G (p.Pro79Ala)

Genes: C1QTNF3-AMACR (C1QTNF3-AMACR readthrough (NMD candidate); minus strand), AMACR (alpha-methylacyl-CoA racemase; minus strand). Cytogenetic location: 5p13.2.
Variant type: single nucleotide variant.
Coding change: c.235C>G on transcript NM_014324.6 (MANE Select); coding-DNA position 235, C replaced by G.
Protein change: p.Pro79Ala; replaces proline 79 with alanine.
Molecular consequence: missense variant.
Genome position (GRCh38, 1-based): chr5:34,007,785, G>C on the plus strand (C>G on the coding strand, the complement: AMACR is on the minus strand). VCF-style: chr5-34007785-G-C. GRCh37 (hg19) VCF-style: chr5-34007890-G-C.
Other names: c.235C>G, p.Pro79Ala (NM_001167595.2, NM_203382.3); short protein forms P79A.
Identifiers: ClinVar variation 1348990 (VCV001348990.3), dbSNP rs938653823, ClinGen allele CA116872618.

ClinVar aggregate classification (germline): Uncertain significance (1 of 4 stars; one submission).

Conditions:
Alpha-methylacyl-CoA racemase deficiency (AMACRD). Also called: AMACR deficiency. Identifiers: Orphanet 79095, MedGen C3280428, MONDO:0013681, OMIM 614307. Disease mechanism: loss of function.

Allele frequency attached by ClinVar (database versions not stated): TOPMed below 0.00001; gnomAD 0.00001.
gnomAD v4.1: 2 of 1,563,110 alleles (0.00013%); highest among the groups gnomAD compares: African/African-American, 0.0014%; no homozygotes.

Submission:

Labcorp Genetics (formerly Invitae), Labcorp
Classification: Uncertain significance for Alpha-methylacyl-CoA racemase deficiency. Last evaluated: 2021-11-23. Review status: criteria provided, single submitter. Criteria: Invitae Variant Classification Sherloc (09022015). Collection method: clinical testing. Allele origin: germline.
Comment: This sequence change replaces proline, which is neutral and non-polar, with alanine, which is neutral and non-polar, at codon 79 of the AMACR protein (p.Pro79Ala). This variant is not present in population databases (gnomAD no frequency). This variant has not been reported in the literature in individuals affected with AMACR-related conditions. Algorithms developed to predict the effect of missense changes on protein structure and function (SIFT, PolyPhen-2, Align-GVGD) all suggest that this variant is likely to be disruptive. In summary, the available evidence is currently insufficient to determine the role of this variant in disease. Therefore, it has been classified as a Variant of Uncertain Significance.